The following is an entry in ClinVar:

NC_012920.1(MT-TW):m.5553T>G

Gene: MT-TW (mitochondrially encoded tRNA tryptophan; plus strand).
Variant type: single nucleotide variant.
Genome position: chrM-5553-T-G.
Identifiers: ClinVar variation 689938 (VCV000689938.1), dbSNP rs878853053, ClinGen allele CA913179841.

ClinVar aggregate classification (germline): Likely benign (1 of 4 stars; one submission).

Conditions:
MELAS syndrome (MELAS). Also called: Juvenile myopathy, encephalopathy, lactic acidosis, stroke. Identifiers: Orphanet 550, MedGen C0162671, MONDO:0010789, OMIM 540000.

Submission:

Wong Mito Lab, Molecular and Human Genetics, Baylor College of Medicine
Classification: Likely benign for MELAS syndrome. Last evaluated: 2019-07-12. Review status: criteria provided, single submitter. Criteria: Modified ACMG Guidelines (Unpublished). Collection method: clinical testing. Allele origin: germline.
Comment: The NC_012920.1:m.5553T>G variant in MT-TW gene is interpreted to be a Likely Benign variant based on the modified ACMG guidelines (unpublished). This variant meets the following evidence codes reported in the guidelines: BS1, BP6

Literature cited by the submitters: PubMed 31965079.